The following is an entry in ClinVar:

NM_144997.7(FLCN):c.1270G>A (p.Val424Met)

Gene: FLCN (folliculin; minus strand). Cytogenetic location: 17p11.2.
Variant type: single nucleotide variant.
Coding change: c.1270G>A on transcript NM_144997.7 (MANE Select); coding-DNA position 1270, G replaced by A.
Protein change: p.Val424Met; replaces valine 424 with methionine.
Molecular consequence: missense variant.
Genome position (GRCh38, 1-based): chr17:17,216,410, C>T on the plus strand (G>A on the coding strand, the complement: FLCN is on the minus strand). VCF-style: chr17-17216410-C-T. GRCh37 (hg19) VCF-style: chr17-17119724-C-T.
Other names: c.1270G>A (LRG_325t1); c.1324G>A, p.Val442Met (NM_001353229.2); c.1270G>A, p.Val424Met (NM_001353230.2, NM_001353231.2); short protein forms V424M, V442M.
Identifiers: ClinVar variation 485592 (VCV000485592.13), dbSNP rs1264775833, ClinGen allele CA398531674.

ClinVar aggregate classification (germline): Uncertain significance. Review status: criteria provided, multiple submitters, no conflicts (2 of 4 stars). 4 submissions from 4 submitters: Uncertain significance (4). Last evaluated 2025-11-05.

Conditions:
Birt-Hogg-Dube syndrome. Also called: Birt Hogg Dubé syndrome. Identifiers: Orphanet 122, MedGen C0346010, MONDO:0800444.
Colorectal cancer. Also called: Colorectal cancer, somatic; Malignant Colorectal Neoplasm. Identifiers: MedGen C0346629, MONDO:0005575, OMIM 114500.
Nonpapillary renal cell carcinoma. Identifiers: Orphanet 422526, MedGen CN074294, MONDO:0007763, OMIM 144700.
Familial spontaneous pneumothorax (PSP). Identifiers: Orphanet 2903, MedGen C1868193, MONDO:0008259, OMIM 173600.
Birt-Hogg-Dube syndrome 1 (BHD1). Also called: FIBROFOLLICULOMAS WITH TRICHODISCOMAS AND ACROCHORDONS. Identifiers: Orphanet 122, MedGen CN375946, MONDO:0800445, OMIM 135150.
Hereditary cancer-predisposing syndrome. Also called: Hereditary neoplastic syndrome; Neoplastic Syndromes, Hereditary; Tumor predisposition; Hereditary Cancer Syndrome. Identifiers: Orphanet 140162, MedGen C0027672, MeSH D009386, MONDO:0015356.

Allele frequency attached by ClinVar (database versions not stated): gnomAD exomes below 0.00001 and 0.00001; TOPMed 0.00001; gnomAD 0.00003.
gnomAD v4.1: 4 of 1,613,730 alleles (0.00025%); highest among the groups gnomAD compares: African/African-American, 0.0013%; no homozygotes.

Submissions (4):

Labcorp Genetics (formerly Invitae), Labcorp
Classification: Uncertain significance for Birt-Hogg-Dube syndrome. Last evaluated: 2025-11-05. Review status: criteria provided, single submitter. Criteria: Invitae Variant Classification Sherloc (09022015). Collection method: clinical testing. Allele origin: germline.
Comment: This sequence change replaces valine, which is neutral and non-polar, with methionine, which is neutral and non-polar, at codon 424 of the FLCN protein (p.Val424Met). This variant is present in population databases (no rsID available, gnomAD 0.004%). This variant has not been reported in the literature in individuals affected with FLCN-related conditions. ClinVar contains an entry for this variant (Variation ID: 485592). Invitae Evidence Modeling of protein sequence and biophysical properties (such as structural, functional, and spatial information, amino acid conservation, physicochemical variation, residue mobility, and thermodynamic stability) indicates that this missense variant is not expected to disrupt FLCN protein function with a negative predictive value of 80%. In summary, the available evidence is currently insufficient to determine the role of this variant in disease. Therefore, it has been classified as a Variant of Uncertain Significance.

Ambry Genetics
Classification: Uncertain significance for Hereditary cancer-predisposing syndrome. Last evaluated: 2025-01-23. Review status: criteria provided, single submitter. Criteria: Ambry Variant Classification Scheme 2023. Collection method: clinical testing. Allele origin: germline.
Comment: The p.V424M variant (also known as c.1270G>A), located in coding exon 8 of the FLCN gene, results from a G to A substitution at nucleotide position 1270. The valine at codon 424 is replaced by methionine, an amino acid with highly similar properties. This amino acid position is highly conserved in available vertebrate species. In addition, the in silico prediction for this alteration is inconclusive. Since supporting evidence is limited at this time, the clinical significance of this alteration remains unclear.

Fulgent Genetics
Classification: Uncertain significance for Colorectal cancer; Birt-Hogg-Dube syndrome 1; Nonpapillary renal cell carcinoma; Familial spontaneous pneumothorax. Last evaluated: 2024-05-21. Review status: criteria provided, single submitter. Criteria: ACMG Guidelines, 2015. Collection method: clinical testing. Allele origin: germline.

Baylor Genetics
Classification: Uncertain significance for Birt-Hogg-Dube syndrome 1. Last evaluated: 2024-03-09. Review status: criteria provided, single submitter. Criteria: ACMG Guidelines, 2015. Collection method: clinical testing. Allele origin: unknown.